The following is an entry in ClinVar:

NM_000051.4(ATM):c.342del (p.Arg114fs)

Gene: ATM (ATM serine/threonine kinase; plus strand). Cytogenetic location: 11q22.3.
Variant type: Deletion.
Coding change: c.342del on transcript NM_000051.4 (MANE Select); coding-DNA position 342, one base deleted (G; older notation c.342delG).
Protein change: p.Arg114fs; shifts the reading frame from arginine 114.
Molecular consequence: frameshift variant.
Genome position (GRCh38, 1-based): chr11:108,235,680, G deleted; the last of 2 consecutive G bases (chr11:108,235,679-108,235,680); deleting either gives the same sequence. VCF-style (leftmost placement, unchanged base first): chr11-108235678-AG-A. GRCh37 (hg19) VCF-style: chr11-108106405-AG-A.
Other names: c.342del, p.Arg114fs (NM_001351834.2); c.342delG (NM_000051.4); short protein forms R114fs.
Identifiers: ClinVar variation 3896483 (VCV003896483.2).

ClinVar aggregate classification (germline): Pathogenic (1 of 4 stars; one submission).

Conditions:
Ataxia-telangiectasia syndrome (AT). Also called: LOUIS-BAR SYNDROME; Ataxia-telangiectasia, complementation group D; AT, COMPLEMENTATION GROUP C; Ataxia-telangiectasia; Ataxia-telangiectasia, complementation group E; Ataxia telangiectasia (A-T). Identifiers: Orphanet 100, MedGen C0004135, MONDO:0008840, OMIM 208900.

Submission:

Women's Health and Genetics/Laboratory Corporation of America, LabCorp
Classification: Pathogenic for Ataxia-telangiectasia syndrome. Last evaluated: 2025-04-04. Review status: criteria provided, single submitter. Criteria: LabCorp Variant Classification Summary - May 2015. Collection method: clinical testing. Allele origin: germline.
Comment: Variant summary: ATM c.342delG (p.Arg114SerfsX2) results in a premature termination codon, predicted to cause a truncation of the encoded protein or absence of the protein due to nonsense mediated decay, which are commonly known mechanisms for disease. The variant was absent in 250490 control chromosomes. To our knowledge, no occurrence of c.342delG in individuals affected with Ataxia-Telangiectasia and no experimental evidence demonstrating its impact on protein function have been reported. No submitters have cited clinical-significance assessments for this variant to ClinVar. Based on the evidence outlined above, the variant was classified as pathogenic.